The following is an entry in ClinVar:

ClinVar aggregate classification (germline): Uncertain significance (1 of 4 stars; one submission).

Submission:

GeneDx
Classification: Uncertain significance. Last evaluated: 2026-01-27. Review status: criteria provided, single submitter. Criteria: GeneDx Variant Classification Process June 2021. Collection method: clinical testing. Allele origin: germline.
Comment: Not observed at significant frequency in large population cohorts (gnomAD); In silico analysis supports that this missense variant has a deleterious effect on protein structure/function; Has not been previously published as pathogenic or benign to our knowledge

NM_016284.5(CNOT1):c.2500C>T (p.Pro834Ser)

Gene: CNOT1 (CCR4-NOT transcription complex subunit 1; minus strand). Cytogenetic location: 16q21.
Variant type: single nucleotide variant.
Coding change: c.2500C>T on transcript NM_016284.5 (MANE Select); coding-DNA position 2500, C replaced by T.
Protein change: p.Pro834Ser; replaces proline 834 with serine.
Molecular consequence: missense variant. On other transcripts: non-coding transcript variant (1).
Genome position (GRCh38, 1-based): chr16:58,555,888, G>A on the plus strand (C>T on the coding strand, the complement: CNOT1 is on the minus strand). VCF-style: chr16-58555888-G-A. GRCh37 (hg19) VCF-style: chr16-58589792-G-A.
Other names: c.2485C>T, p.Pro829Ser (NM_001265612.2); c.2500C>T, p.Pro834Ser (NM_206999.3); short protein forms P829S, P834S.
Identifiers: ClinVar variation 4975763 (VCV004975763.1).